The following is an entry in ClinVar:

ClinVar aggregate classification (germline): Uncertain significance (1 of 4 stars; one submission).

gnomAD v4.1: 1 of 1,614,152 alleles (0.000062%); highest among the groups gnomAD compares: Non-Finnish European, 0.000085%; no homozygotes.

Submission:

GeneDx
Classification: Uncertain significance. Last evaluated: 2024-08-09. Review status: criteria provided, single submitter. Criteria: GeneDx Variant Classification Process June 2021. Collection method: clinical testing. Allele origin: germline. Affected: yes.
Comment: Not observed at significant frequency in large population cohorts (gnomAD); In silico analysis supports that this missense variant has a deleterious effect on protein structure/function; Has not been previously published as pathogenic or benign to our knowledge

NM_001253852.3(AP4B1):c.383G>A (p.Gly128Asp)

Gene: AP4B1 (adaptor related protein complex 4 subunit beta 1; minus strand). Cytogenetic location: 1p13.2.
Variant type: single nucleotide variant.
Coding change: c.383G>A on transcript NM_001253852.3 (MANE Select); coding-DNA position 383, G replaced by A.
Protein change: p.Gly128Asp; replaces glycine 128 with aspartic acid.
Molecular consequence: missense variant. On other transcripts: intron variant (1).
Genome position (GRCh38, 1-based): chr1:113,901,841, C>T on the plus strand (G>A on the coding strand, the complement: AP4B1 is on the minus strand). VCF-style: chr1-113901841-C-T. GRCh37 (hg19) VCF-style: chr1-114444463-C-T.
Other names: c.86G>A, p.Gly29Asp (NM_001253853.3); c.383G>A, p.Gly128Asp (NM_006594.5); c.114-1441G>A (NM_001308312.2); short protein forms G29D, G128D.
Identifiers: ClinVar variation 3731077 (VCV003731077.1).